The following is an entry in ClinVar:

NM_001201543.2(FAM161A):c.1441G>A (p.Glu481Lys)

Gene: FAM161A (FAM161 centrosomal protein A; minus strand). Cytogenetic location: 2p15.
Variant type: single nucleotide variant.
Coding change: c.1441G>A on transcript NM_001201543.2 (MANE Select); coding-DNA position 1441, G replaced by A.
Protein change: p.Glu481Lys; replaces glutamic acid 481 with lysine.
Molecular consequence: missense variant. On other transcripts: non-coding transcript variant (1).
Genome position (GRCh38, 1-based): chr2:61,839,563, C>T on the plus strand (G>A on the coding strand, the complement: FAM161A is on the minus strand). VCF-style: chr2-61839563-C-T. GRCh37 (hg19) VCF-style: chr2-62066698-C-T.
Other names: c.1441G>A, p.Glu481Lys (NM_032180.3); short protein forms E481K.
Identifiers: ClinVar variation 167057 (VCV000167057.14), dbSNP rs727503924, ClinGen allele CA233975.

ClinVar aggregate classification (germline): Uncertain significance. Review status: criteria provided, multiple submitters, no conflicts (2 of 4 stars). 5 submissions from 5 submitters: Uncertain significance (4). 1 of the submissions does not count toward it. Last evaluated 2024-02-05.

Conditions:
Inborn genetic diseases. Identifiers: MedGen C0950123, MeSH D030342.
Retinitis pigmentosa 28 (RP28). Identifiers: Orphanet 791, MedGen C1419614, MONDO:0011630, OMIM 606068.

Allele frequency attached by ClinVar (database versions not stated): TOPMed 0.00001; ExAC 0.00003; gnomAD exomes 0.00001 and 0.00003.

Submissions (5):

Ambry Genetics
Classification: Uncertain significance for Inborn genetic diseases. Last evaluated: 2024-02-05. Review status: criteria provided, single submitter. Criteria: Ambry Variant Classification Scheme 2023. Collection method: clinical testing. Allele origin: germline.

Labcorp Genetics (formerly Invitae), Labcorp
Classification: Uncertain significance. Last evaluated: 2022-03-26. Review status: criteria provided, single submitter. Criteria: Invitae Variant Classification Sherloc (09022015). Collection method: clinical testing. Allele origin: germline.
Comment: This sequence change replaces glutamic acid, which is acidic and polar, with lysine, which is basic and polar, at codon 481 of the FAM161A protein (p.Glu481Lys). This variant is present in population databases (rs727503924, gnomAD 0.03%). This variant has not been reported in the literature in individuals affected with FAM161A-related conditions. ClinVar contains an entry for this variant (Variation ID: 167057). Algorithms developed to predict the effect of missense changes on protein structure and function are either unavailable or do not agree on the potential impact of this missense change (SIFT: "Deleterious"; PolyPhen-2: "Probably Damaging"; Align-GVGD: "Class C0"). In summary, the available evidence is currently insufficient to determine the role of this variant in disease. Therefore, it has been classified as a Variant of Uncertain Significance.

Blueprint Genetics
Classification: Uncertain significance. Last evaluated: 2020-12-13. Review status: criteria provided, single submitter. Criteria: ACMG Guidelines, 2015. Collection method: clinical testing. Allele origin: germline.

Eurofins Ntd Llc (ga)
Classification: Uncertain significance. Last evaluated: 2014-04-26. Review status: criteria provided, single submitter. Criteria: EGL Classification Definitions 2015. Collection method: clinical testing. Allele origin: germline. Observed: 1 variant allele, 1 heterozygote.

Natera, Inc.
Classification: Uncertain significance for Retinitis pigmentosa type 28. Last evaluated: 2019-11-11. Review status: no assertion criteria provided. Collection method: clinical testing. Allele origin: germline. Not counted in ClinVar's aggregate classification.